The following is an entry in ClinVar:

NM_001148.6(ANK2):c.9556G>A (p.Val3186Met)

Gene: ANK2 (ankyrin 2; plus strand). Cytogenetic location: 4q26.
Variant type: single nucleotide variant.
Coding change: c.9556G>A on transcript NM_001148.6 (MANE Select); coding-DNA position 9556, G replaced by A.
Protein change: p.Val3186Met; replaces valine 3186 with methionine.
Molecular consequence: missense variant. On other transcripts: intron variant (68).
Genome position (GRCh38, 1-based): chr4:113,358,174, G>A. VCF-style: chr4-113358174-G-A. GRCh37 (hg19) VCF-style: chr4-114279330-G-A.
Other names: c.9322G>A, p.Val3108Met (NM_001386142.1); c.5956G>A, p.Val1986Met (NM_001386166.1); c.9697G>A, p.Val3233Met (NM_001386174.1); c.9673G>A, p.Val3225Met (NM_001386175.1); c.4412-2649G>A (NM_001386186.2, NM_001386148.2); c.4214-2649G>A (NM_001354269.3); c.4292-2649G>A (NM_001386187.2); c.4253-2649G>A (NM_001386147.1); and 35 more; short protein forms V1986M, V3108M, V3186M, V3225M, V3233M.
Identifiers: ClinVar variation 1022407 (VCV001022407.7), dbSNP rs759441164, ClinGen allele CA3051940.
Genomic context (GRCh38, chr4:113,358,174, plus strand): 5'-CTAGCACTTTCAGAATCAAAAGAAACAGTGGATGATGAGGCAGACTTACTTCCAGATGAC[G>A]TGAGTGAGGAAGTAGAGGAAATACCTGCTTCGGATGCTCAACTTAACTCCCAAATGGGGA-3'
Protein context (NP_001139.3, residues 3176-3196): DDEADLLPDD[Val3186Met]SEEVEEIPAS

ClinVar aggregate classification (germline): Conflicting classifications of pathogenicity. Review status: criteria provided, conflicting classifications (1 of 4 stars). 2 submissions from 2 submitters: Uncertain significance (1); Likely benign (1). Last evaluated 2021-04-17.

Conditions:
Long QT syndrome (LQTS). Identifiers: MedGen C0023976, MeSH D008133, MONDO:0002442. Disease mechanism: loss of function. Inheritance: Various modes of inheritance.
Cardiovascular phenotype. Identifiers: MedGen CN230736.

Allele frequency attached by ClinVar (database versions not stated): ExAC 0.00001; gnomAD exomes 0.00001; gnomAD 0.00004 and 0.00005; TOPMed 0.00006.
gnomAD v4.1: 20 of 1,613,906 alleles (0.0012%); highest among the groups gnomAD compares: African/African-American, 0.008%; 1 homozygote.

Submissions (2):

Labcorp Genetics (formerly Invitae), Labcorp
Classification: Uncertain significance for Long QT syndrome. Last evaluated: 2021-04-17. Review status: criteria provided, single submitter. Criteria: Invitae Variant Classification Sherloc (09022015). Collection method: clinical testing. Allele origin: germline.
Comment: This variant has been observed in individual(s) with autism spectrum disorder (PMID: 30564305). In summary, the available evidence is currently insufficient to determine the role of this variant in disease. Therefore, it has been classified as a Variant of Uncertain Significance. Algorithms developed to predict the effect of missense changes on protein structure and function output the following: SIFT: "Tolerated"; PolyPhen-2: "Benign"; Align-GVGD: "Class C0". The methionine amino acid residue is found in multiple mammalian species, suggesting that this missense change does not adversely affect protein function. These predictions have not been confirmed by published functional studies and their clinical significance is uncertain. This variant is present in population databases (rs759441164, ExAC 0.01%). This sequence change replaces valine with methionine at codon 3186 of the ANK2 protein (p.Val3186Met). The valine residue is weakly conserved and there is a small physicochemical difference between valine and methionine.

Ambry Genetics
Classification: Likely benign for Cardiovascular phenotype. Last evaluated: 2020-11-02. Review status: criteria provided, single submitter. Criteria: Ambry Variant Classification Scheme 2023. Collection method: clinical testing. Allele origin: germline.

Literature cited by the submitters: PubMed 30564305 (cited by Labcorp Genetics (formerly Invitae), Labcorp).